The following is an entry in ClinVar:

NM_000054.7(AVPR2):c.554del (p.Gly185fs)

Gene: AVPR2 (arginine vasopressin receptor 2; plus strand). Cytogenetic location: Xq28.
Variant type: Deletion.
Coding change: c.554del on transcript NM_000054.7 (MANE Select); coding-DNA position 554, one base deleted (G; older notation c.554delG).
Protein change: p.Gly185fs; shifts the reading frame from glycine 185.
Molecular consequence: frameshift variant. On other transcripts: non-coding transcript variant (1).
Genome position (GRCh38, 1-based): chrX:153,906,060, G deleted; the last of 2 consecutive G bases (chrX:153,906,059-153,906,060); deleting either gives the same sequence. VCF-style (leftmost placement, unchanged base first): chrX-153906058-AG-A. GRCh37 (hg19) VCF-style: chrX-153171512-AG-A.
Other names: c.554del, p.Gly185fs (NM_001146151.3); short protein forms G185fs.
Identifiers: ClinVar variation 35742 (VCV000035742.3), dbSNP rs193922116, ClinGen allele CA260165.

ClinVar aggregate classification (germline): Pathogenic/Likely pathogenic. Review status: criteria provided, multiple submitters, no conflicts (2 of 4 stars). 2 submissions from 2 submitters: Pathogenic (1); Likely pathogenic (1). Last evaluated 2016-11-22.

Conditions:
Nephrogenic diabetes insipidus. Identifiers: Orphanet 223, MedGen C0162283, MONDO:0016383, HP:0009806.

Submissions (2):

Athena Diagnostics
Classification: Pathogenic. Last evaluated: 2016-11-22. Review status: criteria provided, single submitter. Criteria: Athena Diagnostics Criteria. Collection method: clinical testing. Allele origin: germline.

Women's Health and Genetics/Laboratory Corporation of America, LabCorp
Classification: Likely pathogenic for Nephrogenic Diabetes Insipidus. Last evaluated: 2011-08-18. Review status: criteria provided, single submitter. Criteria: LabCorp Variant Classification Summary - May 2015. Collection method: curation, clinical testing. Allele origin: germline. Inheritance: Xlinked unknown. Affected: yes.
ClinVar note: Converted during submission from likely pathogenic to Likely pathogenic.